The following is an entry in ClinVar:

NM_020738.4(KIDINS220):c.4204G>A (p.Gly1402Arg)

Gene: KIDINS220 (kinase D interacting substrate 220; minus strand). Cytogenetic location: 2p25.1.
Variant type: single nucleotide variant.
Coding change: c.4204G>A on transcript NM_020738.4 (MANE Select); coding-DNA position 4204, G replaced by A.
Protein change: p.Gly1402Arg; replaces glycine 1402 with arginine.
Molecular consequence: missense variant. On other transcripts: intron variant (6).
Genome position (GRCh38, 1-based): chr2:8,731,832, C>T on the plus strand (G>A on the coding strand, the complement: KIDINS220 is on the minus strand). VCF-style: chr2-8731832-C-T. GRCh37 (hg19) VCF-style: chr2-8871962-C-T.
Other names: c.4207G>A, p.Gly1403Arg (NM_001348729.2); c.4150G>A, p.Gly1384Arg (NM_001348731.2); c.4147G>A, p.Gly1383Arg (NM_001348732.2); c.4036G>A, p.Gly1346Arg (NM_001348734.2); c.4204G>A (NM_020738.2); c.4033G>A, p.Gly1345Arg (NM_001348735.2); c.3907G>A, p.Gly1303Arg (NM_001348736.2); c.3882+1612G>A (NM_001348741.2, NM_001348742.2, NM_001348743.2); and 2 more; short protein forms G1346R, G1403R, G1402R, G1345R, G1303R, G1383R, G1384R.
Identifiers: ClinVar variation 1959911 (VCV001959911.6), dbSNP rs747270864, ClinGen allele CA1519405.

ClinVar aggregate classification (germline): Uncertain significance. Review status: criteria provided, multiple submitters, no conflicts (2 of 4 stars). 2 submissions from 2 submitters: Uncertain significance (2). Last evaluated 2025-12-04.

Conditions:
Inborn genetic diseases. Identifiers: MedGen C0950123, MeSH D030342.

Allele frequency attached by ClinVar (database versions not stated): gnomAD exomes 0.00001; ExAC 0.00002; gnomAD 0.00003.
gnomAD v4.1: 17 of 1,613,920 alleles (0.0011%); highest among the groups gnomAD compares: South Asian, 0.0099%; no homozygotes.

Submissions (2):

Ambry Genetics
Classification: Uncertain significance for Inborn genetic diseases. Last evaluated: 2025-12-04. Review status: criteria provided, single submitter. Criteria: Ambry Variant Classification Scheme 2023. Collection method: clinical testing. Allele origin: germline.

Labcorp Genetics (formerly Invitae), Labcorp
Classification: Uncertain significance. Last evaluated: 2022-06-28. Review status: criteria provided, single submitter. Criteria: Invitae Variant Classification Sherloc (09022015). Collection method: clinical testing. Allele origin: germline.
Comment: In summary, the available evidence is currently insufficient to determine the role of this variant in disease. Therefore, it has been classified as a Variant of Uncertain Significance. Algorithms developed to predict the effect of missense changes on protein structure and function are either unavailable or do not agree on the potential impact of this missense change (SIFT: "Deleterious"; PolyPhen-2: "Possibly Damaging"; Align-GVGD: "Class C0"). This variant has not been reported in the literature in individuals affected with KIDINS220-related conditions. This variant is present in population databases (rs747270864, gnomAD 0.02%). This sequence change replaces glycine, which is neutral and non-polar, with arginine, which is basic and polar, at codon 1402 of the KIDINS220 protein (p.Gly1402Arg).